The following is an entry in ClinVar:

NM_206933.4(USH2A):c.6485+1G>A

Gene: USH2A (usherin; minus strand). Cytogenetic location: 1q41.
Variant type: single nucleotide variant.
Coding change: c.6485+1G>A on transcript NM_206933.4 (MANE Select); the canonical splice donor site of the intron after coding-DNA position 6485, G replaced by A.
Molecular consequence: splice donor variant.
Genome position (GRCh38, 1-based): chr1:216,000,402, C>T on the plus strand (G>A on the coding strand, the complement: USH2A is on the minus strand). VCF-style: chr1-216000402-C-T. GRCh37 (hg19) VCF-style: chr1-216173744-C-T.
Identifiers: ClinVar variation 556725 (VCV000556725.16), dbSNP rs1553287070, ClinGen allele CA344861560.

ClinVar aggregate classification (germline): Pathogenic/Likely pathogenic. Review status: criteria provided, multiple submitters, no conflicts (2 of 4 stars). 8 submissions from 7 submitters: Pathogenic (2); Likely pathogenic (5). 1 of the submissions does not count toward it. Last evaluated 2026-01-12.

Conditions:
Usher syndrome type 2A. Also called: RETINAL DISEASE IN USHER SYNDROME TYPE IIA, MODIFIER OF; USHER SYNDROME, TYPE IIA. Identifiers: Orphanet 231178, Orphanet 886, MedGen C1848634, MONDO:0010169, OMIM 276901.
USH2A-related disorder. Also called: USH2A-related disorders; USH2A-related condition. Identifiers: MedGen CN239332.
Retinitis pigmentosa 39 (RP39). Identifiers: Orphanet 791, MedGen C3151138, MONDO:0013436, OMIM 613809.

Submissions (8):

Labcorp Genetics (formerly Invitae), Labcorp
Classification: Pathogenic. Last evaluated: 2026-01-12. Review status: criteria provided, single submitter. Criteria: Invitae Variant Classification Sherloc (09022015). Collection method: clinical testing. Allele origin: germline.
Comment: This sequence change affects a donor splice site in intron 33 of the USH2A gene. It is expected to disrupt RNA splicing. Variants that disrupt the donor or acceptor splice site typically lead to a loss of protein function (PMID: 16199547), and loss-of-function variants in USH2A are known to be pathogenic (PMID: 10729113, 10909849, 20507924, 25649381). This variant is not present in population databases (gnomAD no frequency). Disruption of this splice site has been observed in individual(s) with Usher syndrome (PMID: 32188678, 34948090). ClinVar contains an entry for this variant (Variation ID: 556725). Algorithms developed to predict the effect of sequence changes on RNA splicing suggest that this variant may disrupt the consensus splice site. For these reasons, this variant has been classified as Pathogenic.

SingHealth Duke-NUS Institute of Precision Medicine
Classification: Likely pathogenic for Retinitis pigmentosa 39. Last evaluated: 2025-02-05. Review status: criteria provided, single submitter. Criteria: PRISM ACMG Classification Criteria. Collection method: clinical testing. Allele origin: germline. Affected: yes.
Comment: Variant is predicted to cause nonsense-mediated decay in a gene where LOF is a known cause of pathogenicity (PVS1). Variant is not found in gnomAD genomes and exomes (PM2).

Genome-Nilou Lab
Classification: Likely pathogenic for Retinitis pigmentosa 39. Last evaluated: 2023-04-11. Review status: criteria provided, single submitter. Criteria: ACMG Guidelines, 2015. Collection method: clinical testing. Allele origin: germline. Affected: no.

Genome-Nilou Lab
Classification: Likely pathogenic for Usher syndrome type 2A. Last evaluated: 2023-04-11. Review status: criteria provided, single submitter. Criteria: ACMG Guidelines, 2015. Collection method: clinical testing. Allele origin: germline. Affected: no.

Baylor Genetics
Classification: Likely pathogenic for Retinitis pigmentosa 39. Last evaluated: 2023-03-07. Review status: criteria provided, single submitter. Criteria: ACMG Guidelines, 2015. Collection method: clinical testing. Allele origin: unknown.

Revvity Omics, Revvity
Classification: Likely pathogenic. Last evaluated: 2022-08-04. Review status: criteria provided, single submitter. Criteria: ACMG Guidelines, 2015. Collection method: clinical testing. Allele origin: germline.

Blueprint Genetics
Classification: Pathogenic for USH2A-related disorders. Last evaluated: 2022-06-21. Review status: criteria provided, single submitter. Criteria: ACMG Guidelines, 2015. Collection method: clinical testing. Allele origin: germline. Affected: yes. Observed: 2 variant alleles.

Counsyl
Classification: Likely pathogenic for Usher syndrome type 2A; Retinitis pigmentosa 39. Last evaluated: 2018-02-14. Review status: no assertion criteria provided. Collection method: clinical testing. Allele origin: unknown. Not counted in ClinVar's aggregate classification.

Literature cited by the submitters: PubMed 16199547 (cited by Labcorp Genetics (formerly Invitae), Labcorp); PubMed 10729113 (cited by Labcorp Genetics (formerly Invitae), Labcorp); PubMed 10909849 (cited by Labcorp Genetics (formerly Invitae), Labcorp); PubMed 20507924 (cited by Labcorp Genetics (formerly Invitae), Labcorp); PubMed 25649381 (cited by Labcorp Genetics (formerly Invitae), Labcorp); PubMed 32188678 (cited by Labcorp Genetics (formerly Invitae), Labcorp); PubMed 34948090 (cited by Labcorp Genetics (formerly Invitae), Labcorp).